The following is an entry in ClinVar:

NM_016032.4(ZDHHC9):c.881+3G>A

Gene: ZDHHC9 (zDHHC palmitoyltransferase 9; minus strand). Cytogenetic location: Xq26.1.
Variant type: single nucleotide variant.
Coding change: c.881+3G>A on transcript NM_016032.4 (MANE Select); 3 bases into the intron after coding-DNA position 881, G replaced by A.
Molecular consequence: intron variant.
Genome position (GRCh38, 1-based): chrX:129,811,403, C>T on the plus strand (G>A on the coding strand, the complement: ZDHHC9 is on the minus strand). VCF-style: chrX-129811403-C-T. GRCh37 (hg19) VCF-style: chrX-128945379-C-T.
Other names: c.881+3G>A (NM_001008222.3).
Identifiers: ClinVar variation 537741 (VCV000537741.10), dbSNP rs775743190, ClinGen allele CA10513455.

ClinVar aggregate classification (germline): Conflicting classifications of pathogenicity. Review status: criteria provided, conflicting classifications (1 of 4 stars). 2 submissions from 2 submitters: Uncertain significance (1); Likely benign (1). Last evaluated 2025-12-21.

Conditions:
Autism spectrum disorder. Also called: Autism spectrum disorders. Identifiers: MedGen C1510586, MeSH D000067877, MONDO:0005258.
Intellectual developmental disorder, X-linked, syndromic, Raymond type. Also called: Syndromic X-linked intellectual disability Raymond type. Identifiers: MedGen C3275406, MONDO:0010427, OMIM 300799.

Allele frequency attached by ClinVar (database versions not stated): gnomAD exomes 0.00003; TOPMed 0.00003; ExAC 0.00006; gnomAD 0.00004.
gnomAD v4.1: 35 of 1,203,657 alleles (0.0029%); highest among the groups gnomAD compares: Non-Finnish European, 0.0039%; no homozygotes.

Submissions (2):

Labcorp Genetics (formerly Invitae), Labcorp
Classification: Uncertain significance for Intellectual developmental disorder, X-linked, syndromic, Raymond type. Last evaluated: 2025-12-21. Review status: criteria provided, single submitter. Criteria: Invitae Variant Classification Sherloc (09022015). Collection method: clinical testing. Allele origin: germline.
Comment: This sequence change falls in intron 9 of the ZDHHC9 gene. It does not directly change the encoded amino acid sequence of the ZDHHC9 protein. It affects a nucleotide within the consensus splice site. This variant is present in population databases (rs775743190, gnomAD 0.007%), including at least one homozygous and/or hemizygous individual. This variant has not been reported in the literature in individuals affected with ZDHHC9-related conditions. ClinVar contains an entry for this variant (Variation ID: 537741). Variants that disrupt the consensus splice site are a relatively common cause of aberrant splicing (PMID: 17576681, 9536098). Algorithms developed to predict the effect of sequence changes on RNA splicing suggest that this variant is not likely to affect RNA splicing. In summary, the available evidence is currently insufficient to determine the role of this variant in disease. Therefore, it has been classified as a Variant of Uncertain Significance.

Department of Genetics, Rouen University Hospital, Normandy Center for Genomic and Personalized Medicine
Classification: Likely benign for Autism spectrum disorder. Last evaluated: 2022-07-28. Review status: criteria provided, single submitter. Criteria: ACMG Guidelines, 2015. Collection method: clinical testing. Allele origin: maternal. Affected: yes.

Literature cited by the submitters: PubMed 17576681 (cited by Labcorp Genetics (formerly Invitae), Labcorp); PubMed 9536098 (cited by Labcorp Genetics (formerly Invitae), Labcorp).